The following is an entry in ClinVar:

ClinVar aggregate classification (germline): Uncertain significance. Review status: criteria provided, multiple submitters, no conflicts (2 of 4 stars). 4 submissions from 4 submitters: Uncertain significance (3). 1 of the submissions does not count toward it. Last evaluated 2025-09-19.

Conditions:
Hereditary cancer-predisposing syndrome. Also called: Neoplastic Syndromes, Hereditary; Tumor predisposition; Hereditary neoplastic syndrome; Hereditary Cancer Syndrome. Identifiers: Orphanet 140162, MedGen C0027672, MeSH D009386, MONDO:0015356.
Multiple endocrine neoplasia, type 2 (MEN2). Identifiers: Orphanet 653, MedGen C4048306, MONDO:0019003. Disease mechanism: gain of function.
RET-related disorder. Also called: RET-related disorders; RET-related condition; RET-related disease.

Allele frequency attached by ClinVar (database versions not stated): gnomAD exomes below 0.00001; gnomAD 0.00001; TOPMed 0.00001.

Submissions (4):

Ambry Genetics
Classification: Uncertain significance for Hereditary cancer-predisposing syndrome. Last evaluated: 2025-09-19. Review status: criteria provided, single submitter. Criteria: Ambry Variant Classification Scheme 2023. Collection method: clinical testing. Allele origin: germline.
Comment: The p.R813Q variant (also known as c.2438G>A), located in coding exon 14 of the RET gene, results from a G to A substitution at nucleotide position 2438. The arginine at codon 813 is replaced by glutamine, an amino acid with highly similar properties. This alteration has been reported in multiple unrelated individuals with Hirschsprung disease (Auricchio A et al. Am J Hum Genet. 1999 Apr;64:1216-21; Hyndman BD et al. Hum Mutat. 2013 Jan;34:132-42). In in vitro functional assays, this alteration demonstrated impaired RET phosphorylation and colony formation (Hyndman BD et al. Hum Mutat. 2013 Jan;34:132-42; Chatterjee R et al. Hum Genet. 2012 Nov;131:1725-38). This amino acid position is highly conserved in available vertebrate species. In addition, this alteration is predicted to be deleterious by in silico analysis. Based on the available evidence, the clinical significance of this variant remains unclear.

Labcorp Genetics (formerly Invitae), Labcorp
Classification: Uncertain significance for Multiple endocrine neoplasia, type 2. Last evaluated: 2025-09-07. Review status: criteria provided, single submitter. Criteria: Invitae Variant Classification Sherloc (09022015). Collection method: clinical testing. Allele origin: germline.
Comment: This sequence change replaces arginine, which is basic and polar, with glutamine, which is neutral and polar, at codon 813 of the RET protein (p.Arg813Gln). This variant is present in population databases (no rsID available, gnomAD 0.007%). This missense change has been observed in individual(s) with Hirschsprung disease (PMID: 10090908, 22729463). ClinVar contains an entry for this variant (Variation ID: 643114). An algorithm developed to predict the effect of missense changes on protein structure and function (PolyPhen-2) suggests that this variant is likely to be disruptive. Experimental studies have shown that this missense change affects RET function (PMID: 22729463, 22837065). In summary, the available evidence is currently insufficient to determine the role of this variant in disease. Therefore, it has been classified as a Variant of Uncertain Significance.

All of Us Research Program, National Institutes of Health
Classification: Uncertain significance for Multiple endocrine neoplasia, type 2. Last evaluated: 2023-08-28. Review status: criteria provided, single submitter. Criteria: ACMG Guidelines, 2015. Collection method: clinical testing. Allele origin: germline. Inheritance: Autosomal dominant inheritance. Observed: 1 variant allele, 1 heterozygote.
Comment: This missense variant replaces arginine with glutamine at codon 813 of the RET protein. Computational prediction suggests that this variant may have deleterious impact on protein structure and function (internally defined REVEL score threshold >= 0.7, PMID: 27666373). In vitro functional studies have shown this variant reduces RET phosphorylation and colony formation (PMID: 22729463, 22837065). This variant has been reported in an individual affected with Hirschsprung disease (PMID: 10090908). This variant has been identified in 1/242298 chromosomes in the general population by the Genome Aggregation Database (gnomAD). The available evidence is insufficient to determine the role of this variant in disease conclusively. Therefore, this variant is classified as a Variant of Uncertain Significance.

This study involves interpretation of variants in research participants for the purpose of population health screening. Participant phenotype was not available at the time of variant classification. Additional details can be found in publication PMID: 35346344, PMCID: PMC8962531

PreventionGenetics, part of Exact Sciences
Classification: Uncertain significance for RET-related condition. Last evaluated: 2023-12-17. Review status: no assertion criteria provided. Collection method: clinical testing. Allele origin: germline. Not counted in ClinVar's aggregate classification.
Comment: The RET c.2438G>A variant is predicted to result in the amino acid substitution p.Arg813Gln. This variant was reported in individuals with Hirschsprung disease and CAKUT/duplicating collecting system phenotypes (Table 1, Auricchio et al. 1999. PubMed ID: 10090908; Table 2 Chatterjee et al. 2012. PubMed ID: 22729463). In vitro functional studies support this variant impacts the phosphorylation activity of the RET protein (Hyndman et al. 2012. PubMed ID: 22837065). Different missense variants impacting the same amino acid residue (p.Arg813Trp, p.Arg813Leu) have been reported in individuals with Hirschsprung disease phenotypes (Virtanen et al. 2019. PubMed ID: 30031151; Table S1, Jannot et al. 2012. PubMed ID: 22395866). This variant is reported in 0.0066% of alleles in individuals of African descent in gnomAD. Although we suspect that this variant may be pathogenic, at this time, the clinical significance of this variant is uncertain due to the absence of conclusive functional and genetic evidence.

Literature cited by the submitters: PubMed 10090908 (cited by 3 submitters); PubMed 22729463 (cited by 3 submitters); PubMed 22837065 (cited by 3 submitters).

NM_020975.6(RET):c.2438G>A (p.Arg813Gln)

Gene: RET (ret proto-oncogene; plus strand). Cytogenetic location: 10q11.21.
Variant type: single nucleotide variant.
Coding change: c.2438G>A on transcript NM_020975.6 (MANE Select); coding-DNA position 2438, G replaced by A.
Protein change: p.Arg813Gln; replaces arginine 813 with glutamine.
Molecular consequence: missense variant.
Genome position (GRCh38, 1-based): chr10:43,119,576, G>A. VCF-style: chr10-43119576-G-A. GRCh37 (hg19) VCF-style: chr10-43615024-G-A.
Other names: c.2438G>A, p.Arg813Gln (NM_000323.2, NM_001406743.1, NM_001406744.1 and 4 more transcripts); c.1676G>A, p.Arg559Gln (NM_001355216.2); c.2309G>A, p.Arg770Gln (NM_001406761.1, NM_001406762.1, NM_001406764.1); c.2303G>A, p.Arg768Gln (NM_001406763.1, NM_001406765.1); c.2150G>A, p.Arg717Gln (NM_001406766.1, NM_001406767.1, NM_001406770.1); c.2174G>A, p.Arg725Gln (NM_001406768.1); c.2042G>A, p.Arg681Gln (NM_001406769.1, NM_001406772.1); c.2000G>A, p.Arg667Gln (NM_001406771.1, NM_001406773.1); and 10 more; short protein forms R813Q, R559Q, R330Q, R378Q, R474Q, R717Q, R770Q, R471Q.
Identifiers: ClinVar variation 643114 (VCV000643114.20), dbSNP rs1318733775, ClinGen allele CA376556155.
Genomic context (GRCh38, chr10:43,119,576, plus strand): 5'-TCTCTCCGCCCCCAGGCCCGCTCCTCCTCATCGTGGAGTACGCCAAATACGGCTCCCTGC[G>A]GGGCTTCCTCCGCGAGAGCCGCAAAGTGGGGCCTGGCTACCTGGGCAGTGGAGGCAGCCG-3'
Protein context (NP_066124.1, residues 803-823): IVEYAKYGSL[Arg813Gln]GFLRESRKVG